The following is an entry in ClinVar:

ClinVar aggregate classification (germline): Uncertain significance. Review status: criteria provided, multiple submitters, no conflicts (2 of 4 stars). 3 submissions from 3 submitters: Uncertain significance (3). Last evaluated 2026-07-20.

Conditions:
Inborn genetic diseases. Identifiers: MedGen C0950123, MeSH D030342.

Allele frequency attached by ClinVar (database versions not stated): gnomAD 0.00002; 1000 Genomes Project 30x 0.00016; 1000 Genomes Project 0.00020; TOPMed below 0.00001; ExAC 0.00001.
gnomAD v4.1: 8 of 1,610,206 alleles (0.0005%); highest among the groups gnomAD compares: African/African-American, 0.0067%; no homozygotes.

Submissions (3):

Ambry Genetics
Classification: Uncertain significance for Inborn genetic diseases. Last evaluated: 2026-07-20. Review status: criteria provided, single submitter. Criteria: Ambry Variant Classification Scheme 2023. Collection method: clinical testing. Allele origin: germline.
Comment: The c.1410G>C (p.Q470H) alteration is located in exon 12 (coding exon 12) of the POLR1A gene. This alteration results from a G to C substitution at nucleotide position 1410, causing the glutamine (Q) at amino acid position 470 to be replaced by a histidine (H). Based on data from gnomAD, the C allele has an overall frequency of <0.001% (1/241770) total alleles studied. The highest observed frequency was 0.007% (1/14920) of African alleles. Based on insufficient or conflicting evidence, the clinical significance of this alteration remains unclear.

Dasa
Classification: Uncertain significance. Last evaluated: 2025-07-17. Review status: criteria provided, single submitter. Criteria: DASA Assertion Criteria. Collection method: clinical testing. Allele origin: germline.
Comment: NM_015425.6(POLR1A):c.1410G>C (p.Gln470His) is a missense variant that results in the substitution of glutamine with histidine. This variant is rare in population databases. The currently available literature and clinical evidence are not sufficient to establish a definitive association between this variant and the reported condition. Therefore, this variant is classified as a variant of uncertain significance.

Labcorp Genetics (formerly Invitae), Labcorp
Classification: Uncertain significance. Last evaluated: 2023-12-07. Review status: criteria provided, single submitter. Criteria: Invitae Variant Classification Sherloc (09022015). Collection method: clinical testing. Allele origin: germline.
Comment: This sequence change replaces glutamine, which is neutral and polar, with histidine, which is basic and polar, at codon 470 of the POLR1A protein (p.Gln470His). This variant is present in population databases (rs199559378, gnomAD 0.007%). This variant has not been reported in the literature in individuals affected with POLR1A-related conditions. Advanced modeling of protein sequence and biophysical properties (such as structural, functional, and spatial information, amino acid conservation, physicochemical variation, residue mobility, and thermodynamic stability) performed at Invitae indicates that this missense variant is expected to disrupt POLR1A protein function with a positive predictive value of 80%. In summary, the available evidence is currently insufficient to determine the role of this variant in disease. Therefore, it has been classified as a Variant of Uncertain Significance.

NM_015425.6(POLR1A):c.1410G>C (p.Gln470His)

Gene: POLR1A (RNA polymerase I subunit A; minus strand). Cytogenetic location: 2p11.2.
Variant type: single nucleotide variant.
Coding change: c.1410G>C on transcript NM_015425.6 (MANE Select); coding-DNA position 1410, G replaced by C.
Protein change: p.Gln470His; replaces glutamine 470 with histidine.
Molecular consequence: missense variant.
Genome position (GRCh38, 1-based): chr2:86,075,231, C>G on the plus strand (G>C on the coding strand, the complement: POLR1A is on the minus strand). VCF-style: chr2-86075231-C-G. GRCh37 (hg19) VCF-style: chr2-86302354-C-G.
Other names: c.1410G>C (NM_015425.3); short protein forms Q470H.
Identifiers: ClinVar variation 2980931 (VCV002980931.7), dbSNP rs199559378, ClinGen allele CA1746341.